The following is an entry in ClinVar:

ClinVar aggregate classification (germline): Uncertain significance (1 of 4 stars; one submission).

Conditions:
Hereditary cancer-predisposing syndrome. Also called: Tumor predisposition; Neoplastic Syndromes, Hereditary; Hereditary Cancer Syndrome; Hereditary neoplastic syndrome. Identifiers: Orphanet 140162, MedGen C0027672, MeSH D009386, MONDO:0015356.

Submission:

Ambry Genetics
Classification: Uncertain significance for Hereditary cancer-predisposing syndrome. Last evaluated: 2025-02-15. Review status: criteria provided, single submitter. Criteria: Ambry Variant Classification Scheme 2023. Collection method: clinical testing. Allele origin: germline.
Comment: The p.D691V variant (also known as c.2072A>T), located in coding exon 19 of the MRE11A gene, results from an A to T substitution at nucleotide position 2072. The aspartic acid at codon 691 is replaced by valine, an amino acid with highly dissimilar properties. This amino acid position is conserved. In addition, the in silico prediction for this alteration is inconclusive. Based on the available evidence, the clinical significance of this variant remains unclear.

NM_005591.4(MRE11):c.2072A>T (p.Asp691Val)

Gene: MRE11 (MRE11 double strand break repair nuclease; minus strand). Cytogenetic location: 11q21.
Variant type: single nucleotide variant.
Coding change: c.2072A>T on transcript NM_005591.4 (MANE Select); coding-DNA position 2072, A replaced by T.
Protein change: p.Asp691Val; replaces aspartic acid 691 with valine.
Molecular consequence: missense variant.
Genome position (GRCh38, 1-based): chr11:94,420,180, T>A on the plus strand (A>T on the coding strand, the complement: MRE11 is on the minus strand). VCF-style: chr11-94420180-T-A. GRCh37 (hg19) VCF-style: chr11-94153346-T-A.
Other names: c.2069A>T, p.Asp690Val (NM_001330347.2); c.1988A>T, p.Asp663Val (NM_005590.4); short protein forms D691V, D663V, D690V.
Identifiers: ClinVar variation 3874298 (VCV003874298.1).
Genomic context (GRCh38, chr11:94,420,180, plus strand): 5'-ATATATTATCTTCTATTTCTTCTTAAAGAACTAGTGTTCATAAAAGGATCATCATCATCA[T>A]CCTGAAATGAGATACAAATGTTGTATTAGTGATTGTTCCCTGCTTCACTGAAACAAGACA-3'
Protein context (NP_005582.1, residues 681-701): SKGVDFESSE[Asp691Val]DDDDPFMNTS